The following is an entry in ClinVar:

NM_001166114.2(PNPLA6):c.3881C>T (p.Pro1294Leu)

Gene: PNPLA6 (patatin like domain 6, lysophospholipase; plus strand). Cytogenetic location: 19p13.2.
Variant type: single nucleotide variant.
Coding change: c.3881C>T on transcript NM_001166114.2 (MANE Select); coding-DNA position 3881, C replaced by T.
Protein change: p.Pro1294Leu; replaces proline 1294 with leucine.
Molecular consequence: missense variant.
Genome position (GRCh38, 1-based): chr19:7,561,078, C>T. VCF-style: chr19-7561078-C-T. GRCh37 (hg19) VCF-style: chr19-7625964-C-T.
Other names: c.3911C>T, p.Pro1304Leu (NM_001166111.2); c.3686C>T, p.Pro1229Leu (NM_001166112.2); c.3767C>T, p.Pro1256Leu (NM_001166113.1, NM_006702.5); short protein forms P1229L, P1294L, P1256L, P1304L.
Identifiers: ClinVar variation 1932279 (VCV001932279.4), dbSNP rs2024080119, ClinGen allele CA403138619.
Genomic context (GRCh38, chr19:7,561,078, plus strand): 5'-TTGCCTTCCCAAGCTCTGGCTTCACTGACTTGGCAGAGATTGTGTCCCGGATTGAGCCCC[C>T]CACGAGCTATGTCTCTGATGGCTGTGCTGACGGTGAGGGGCCCAGGGGACCCCCCAAGAG-3'
Protein context (NP_001159586.1, residues 1284-1304): LAEIVSRIEP[Pro1294Leu]TSYVSDGCAD

ClinVar aggregate classification (germline): Uncertain significance (1 of 4 stars; one submission).

Conditions:
Hereditary spastic paraplegia 39 (SPG39). Also called: SPASTIC PARAPLEGIA 39, AUTOSOMAL RECESSIVE; Spastic Paraplegia Type 39 (SPG39). Identifiers: Orphanet 139480, MedGen C2677586, MONDO:0012787, OMIM 612020.

Allele frequency attached by ClinVar (database versions not stated): gnomAD exomes below 0.00001; TOPMed 0.00001.
gnomAD v4.1: 4 of 1,613,266 alleles (0.00025%); highest among the groups gnomAD compares: Middle Eastern, 0.033%; no homozygotes.

Submission:

Labcorp Genetics (formerly Invitae), Labcorp
Classification: Uncertain significance for Hereditary spastic paraplegia 39. Last evaluated: 2022-07-26. Review status: criteria provided, single submitter. Criteria: Invitae Variant Classification Sherloc (09022015). Collection method: clinical testing. Allele origin: germline.
Comment: In summary, the available evidence is currently insufficient to determine the role of this variant in disease. Therefore, it has been classified as a Variant of Uncertain Significance. Algorithms developed to predict the effect of missense changes on protein structure and function (SIFT, PolyPhen-2, Align-GVGD) all suggest that this variant is likely to be tolerated. This variant has not been reported in the literature in individuals affected with PNPLA6-related conditions. This variant is not present in population databases (gnomAD no frequency). This sequence change replaces proline, which is neutral and non-polar, with leucine, which is neutral and non-polar, at codon 1256 of the PNPLA6 protein (p.Pro1256Leu).